The following is an entry in ClinVar:

NM_001375567.1(FOCAD):c.4435G>A (p.Asp1479Asn)

Gene: FOCAD (focadhesin; plus strand). Cytogenetic location: 9p21.3.
Variant type: single nucleotide variant.
Coding change: c.4435G>A on transcript NM_001375567.1 (MANE Select); coding-DNA position 4435, G replaced by A.
Protein change: p.Asp1479Asn; replaces aspartic acid 1479 with asparagine.
Molecular consequence: missense variant.
Genome position (GRCh38, 1-based): chr9:20,981,483, G>A. VCF-style: chr9-20981483-G-A. GRCh37 (hg19) VCF-style: chr9-20981482-G-A.
Other names: c.4330G>A, p.Asp1444Asn (NM_001375568.1, NM_001375570.1); c.4435G>A, p.Asp1479Asn (NM_017794.5); short protein forms D1444N, D1479N.
Identifiers: ClinVar variation 2673171 (VCV002673171.23), dbSNP rs2488973006, ClinGen allele CA373055175.

ClinVar aggregate classification (germline): Uncertain significance (1 of 4 stars; one submission).

Submission:

CeGaT Center for Human Genetics Tuebingen
Classification: Uncertain significance. Last evaluated: 2023-11-01. Review status: criteria provided, single submitter. Criteria: CeGaT Center For Human Genetics Tuebingen Variant Classification Criteria Version 2. Collection method: clinical testing. Allele origin: germline. Affected: yes. Observed: 1 variant allele.
Comment: FOCAD: PM2, BP4